The following is an entry in ClinVar:

NM_000038.6(APC):c.1312+8C>T

Gene: APC (APC regulator of Wnt signaling pathway; plus strand). Cytogenetic location: 5q22.2.
Variant type: single nucleotide variant.
Coding change: c.1312+8C>T on transcript NM_000038.6 (MANE Select); 8 bases into the intron after coding-DNA position 1312, C replaced by T.
Molecular consequence: intron variant.
Genome position (GRCh38, 1-based): chr5:112,819,352, C>T. VCF-style: chr5-112819352-C-T. GRCh37 (hg19) VCF-style: chr5-112155049-C-T.
Other names: c.1312+8C>T (NM_001354895.2, NM_001127510.3, NM_001354896.2); c.1342+8C>T (NM_001354897.2); c.1039+8C>T (NM_001354902.2); c.1258+8C>T (NM_001127511.3); c.1237+8C>T (NM_001354898.2); c.934+8C>T (NM_001354904.2); c.463+8C>T (NM_001354906.2); c.1009+8C>T (NM_001354903.2); and 3 more.
Identifiers: ClinVar variation 1610484 (VCV001610484.9), dbSNP rs2149784303, ClinGen allele CA2573138827.
Genomic context (GRCh38, chr5:112,819,352, plus strand): 5'-TTGGGAGTGGCAGGAAGCTCATGAACCAGGCATGGACCAGGACAAAAATCCAAGTATGTT[C>T]TCTATAGTGTACATCGTAGTGCATGTTTCAAAGCAAATGTGAAATTTTTAAACAGAAAAC-3'

ClinVar aggregate classification (germline): Likely benign. Review status: criteria provided, multiple submitters, no conflicts (2 of 4 stars). 2 submissions from 2 submitters: Likely benign (2). Last evaluated 2025-09-04.

Conditions:
Familial adenomatous polyposis 1 (FAP1). Also called: FAMILIAL ADENOMATOUS POLYPOSIS 1, ATTENUATED; POLYPOSIS, ADENOMATOUS INTESTINAL. Identifiers: MedGen C2713442, MONDO:0021056, OMIM 175100. Disease mechanism: loss of function.

Submissions (2):

Labcorp Genetics (formerly Invitae), Labcorp
Classification: Likely benign for Familial adenomatous polyposis 1. Last evaluated: 2025-09-04. Review status: criteria provided, single submitter. Criteria: Invitae Variant Classification Sherloc (09022015). Collection method: clinical testing. Allele origin: germline.

Myriad Genetics, Inc.
Classification: Likely benign for Familial adenomatous polyposis 1. Last evaluated: 2024-03-01. Review status: criteria provided, single submitter. Criteria: Myriad Autosomal Dominant, Autosomal Recessive and X-Linked Classification Criteria (2023). Collection method: clinical testing. Allele origin: unknown.
Comment: This variant is considered likely benign. This variant is intronic and is not expected to impact mRNA splicing.